The following is an entry in ClinVar:

Conditions:
Breast-ovarian cancer, familial, susceptibility to, 1 (BROVCA1). Also called: BRCA1 Hereditary Breast and Ovarian Cancer; OVARIAN CANCER, SUSCEPTIBILITY TO. Identifiers: Orphanet 145, MedGen C2676676, MONDO:0011450, OMIM 604370. Disease mechanism: loss of function.

Submission:

Brotman Baty Institute, University of Washington
No classification provided (evidence only). Condition: Breast-ovarian cancer, familial 1. Review status: no classification provided. Collection method: in vitro. Allele origin: not applicable. Functional consequence: functionally_abnormal.
ClinVar note: "not provided" was previously submitted as the classification for the variant. However, the classification appeared to be based only on an observation of functional data so it was converted to no classification on 2025-07-30.

NM_007294.4(BRCA1):c.4987-9T>G

Gene: BRCA1 (BRCA1 DNA repair associated; minus strand). Cytogenetic location: 17q21.31.
Variant type: single nucleotide variant.
Coding change: c.4987-9T>G on transcript NM_007294.4 (MANE Select); 9 bases into the intron before coding-DNA position 4987, T replaced by G.
Molecular consequence: intron variant.
Genome position (GRCh38, 1-based): chr17:43,067,704, A>C on the plus strand (T>G on the coding strand, the complement: BRCA1 is on the minus strand). VCF-style: chr17-43067704-A-C. GRCh37 (hg19) VCF-style: chr17-41219721-A-C.
Other names: c.4981-9T>G (NM_001407640.1, NM_001407631.1, NM_001407638.1 and 14 more transcripts); c.4984-9T>G (NM_001407626.1, NM_001407617.1, NM_001407622.1 and 17 more transcripts); c.4987-9T>G (NM_001407652.1, NM_001407854.1, NM_001407598.1 and 8 more transcripts); c.1462-9T>G (NM_001408492.1, NM_001408493.1); c.1531-9T>G (NM_001408468.1, NM_001408470.1, NM_001408469.1); c.4840-9T>G (NM_001407842.1, NM_001407846.1, NM_001407850.1 and 12 more transcripts); c.4843-9T>G (NM_001407749.1, NM_001407943.1, NM_001407748.1 and 21 more transcripts); c.1414-9T>G (NM_001408501.1, NM_001408500.1, NM_001408497.1 and 3 more transcripts); and 71 more.
Identifiers: ClinVar variation 868092 (VCV000868092.3), dbSNP rs2052193720, ClinGen allele CA916080178.